The following is an entry in ClinVar:

NM_002439.5(MSH3):c.2830A>G (p.Asn944Asp)

Gene: MSH3 (mutS homolog 3; plus strand). Cytogenetic location: 5q14.1.
Variant type: single nucleotide variant.
Coding change: c.2830A>G on transcript NM_002439.5 (MANE Select); coding-DNA position 2830, A replaced by G.
Protein change: p.Asn944Asp; replaces asparagine 944 with aspartic acid.
Molecular consequence: missense variant.
Genome position (GRCh38, 1-based): chr5:80,854,146, A>G. VCF-style: chr5-80854146-A-G. GRCh37 (hg19) VCF-style: chr5-80149965-A-G.
Other names: short protein forms N944D.
Identifiers: ClinVar variation 4111086 (VCV004111086.2).

ClinVar aggregate classification (germline): Uncertain significance. Review status: criteria provided, multiple submitters, no conflicts (2 of 4 stars). 2 submissions from 2 submitters: Uncertain significance (2). Last evaluated 2025-06-27.

Conditions:
Hereditary cancer-predisposing syndrome. Also called: Tumor predisposition; Neoplastic Syndromes, Hereditary; Hereditary neoplastic syndrome; Hereditary Cancer Syndrome. Identifiers: Orphanet 140162, MedGen C0027672, MeSH D009386, MONDO:0015356.

gnomAD v4.1: 1 of 1,613,282 alleles (0.000062%); highest among the groups gnomAD compares: South Asian, 0.0011%; no homozygotes.

Submissions (2):

Ambry Genetics
Classification: Uncertain significance for Hereditary cancer-predisposing syndrome. Last evaluated: 2025-06-27. Review status: criteria provided, single submitter. Criteria: Ambry Variant Classification Scheme 2023. Collection method: clinical testing. Allele origin: germline.
Comment: The p.N944D variant (also known as c.2830A>G), located in coding exon 21 of the MSH3 gene, results from an A to G substitution at nucleotide position 2830. The asparagine at codon 944 is replaced by aspartic acid, an amino acid with highly similar properties. This amino acid position is conserved. In addition, the in silico prediction for this alteration is inconclusive. Based on the available evidence, the clinical significance of this variant remains unclear.

Labcorp Genetics (formerly Invitae), Labcorp
Classification: Uncertain significance. Last evaluated: 2025-05-18. Review status: criteria provided, single submitter. Criteria: Invitae Variant Classification Sherloc (09022015). Collection method: clinical testing. Allele origin: germline.
Comment: This sequence change replaces asparagine, which is neutral and polar, with aspartic acid, which is acidic and polar, at codon 944 of the MSH3 protein (p.Asn944Asp). This variant is not present in population databases (gnomAD no frequency). This variant has not been reported in the literature in individuals affected with MSH3-related conditions. An algorithm developed to predict the effect of missense changes on protein structure and function (PolyPhen-2) suggests that this variant is likely to be tolerated. In summary, the available evidence is currently insufficient to determine the role of this variant in disease. Therefore, it has been classified as a Variant of Uncertain Significance.